The following is an entry in ClinVar:

NM_006736.6(DNAJB2):c.625C>T (p.Pro209Ser)

Gene: DNAJB2 (DnaJ heat shock protein family (Hsp40) member B2; plus strand). Cytogenetic location: 2q35.
Variant type: single nucleotide variant.
Coding change: c.625C>T on transcript NM_006736.6 (MANE Select); coding-DNA position 625, C replaced by T.
Protein change: p.Pro209Ser; replaces proline 209 with serine.
Molecular consequence: missense variant.
Genome position (GRCh38, 1-based): chr2:219,284,637, C>T. VCF-style: chr2-219284637-C-T. GRCh37 (hg19) VCF-style: chr2-220149359-C-T.
Other names: c.625C>T, p.Pro209Ser (NM_001039550.2); short protein forms P209S.
Identifiers: ClinVar variation 1423377 (VCV001423377.7), dbSNP rs769946182, ClinGen allele CA65960907.

ClinVar aggregate classification (germline): Uncertain significance. Review status: criteria provided, multiple submitters, no conflicts (2 of 4 stars). 2 submissions from 2 submitters: Uncertain significance (2). Last evaluated 2024-10-24.

Conditions:
Neuronopathy, distal hereditary motor, autosomal recessive 5. Also called: Spinal muscular atrophy, distal, autosomal recessive, 5; NEUROPATHY, DISTAL HEREDITARY MOTOR, AUTOSOMAL RECESSIVE 5; Young adult-onset distal hereditary motor neuropathy. Identifiers: Orphanet 314485, Orphanet 443950, MedGen C4749918, MONDO:0013947, OMIM 614881.

Allele frequency attached by ClinVar (database versions not stated): TOPMed below 0.00001; gnomAD exomes below 0.00001.

Submissions (2):

Labcorp Genetics (formerly Invitae), Labcorp
Classification: Uncertain significance for Neuronopathy, distal hereditary motor, autosomal recessive 5. Last evaluated: 2024-10-24. Review status: criteria provided, single submitter. Criteria: Invitae Variant Classification Sherloc (09022015). Collection method: clinical testing. Allele origin: germline.
Comment: This sequence change replaces proline, which is neutral and non-polar, with serine, which is neutral and polar, at codon 209 of the DNAJB2 protein (p.Pro209Ser). This variant is not present in population databases (gnomAD no frequency). This variant has not been reported in the literature in individuals affected with DNAJB2-related conditions. ClinVar contains an entry for this variant (Variation ID: 1423377). Invitae Evidence Modeling of protein sequence and biophysical properties (such as structural, functional, and spatial information, amino acid conservation, physicochemical variation, residue mobility, and thermodynamic stability) indicates that this missense variant is not expected to disrupt DNAJB2 protein function with a negative predictive value of 80%. In summary, the available evidence is currently insufficient to determine the role of this variant in disease. Therefore, it has been classified as a Variant of Uncertain Significance.

Breakthrough Genomics
Classification: Uncertain significance. Review status: criteria provided, single submitter. Criteria: ACMG Guidelines, 2015. Collection method: not provided. Allele origin: germline. Inheritance: Autosomal recessive inheritance. Affected: yes.